The following is an entry in ClinVar:

ClinVar aggregate classification (germline): Uncertain significance (1 of 4 stars; one submission).

Submission:

GeneDx
Classification: Uncertain significance. Last evaluated: 2024-02-06. Review status: criteria provided, single submitter. Criteria: GeneDx Variant Classification Process June 2021. Collection method: clinical testing. Allele origin: germline. Affected: yes.
Comment: Not observed at significant frequency in large population cohorts (gnomAD); In silico analysis supports that this missense variant has a deleterious effect on protein structure/function; Has not been previously published as pathogenic or benign to our knowledge; This variant is associated with the following publications: (PMID: 28545555)

NM_017654.4(SAMD9):c.3277T>C (p.Tyr1093His)

Gene: SAMD9 (sterile alpha motif domain containing 9; minus strand). Cytogenetic location: 7q21.2.
Variant type: single nucleotide variant.
Coding change: c.3277T>C on transcript NM_017654.4 (MANE Select); coding-DNA position 3277, T replaced by C.
Protein change: p.Tyr1093His; replaces tyrosine 1093 with histidine.
Molecular consequence: missense variant.
Genome position (GRCh38, 1-based): chr7:93,102,821, A>G on the plus strand (T>C on the coding strand, the complement: SAMD9 is on the minus strand). VCF-style: chr7-93102821-A-G. GRCh37 (hg19) VCF-style: chr7-92732134-A-G.
Other names: c.3277T>C, p.Tyr1093His (NM_001193307.2); short protein forms Y1093H.
Identifiers: ClinVar variation 3340694 (VCV003340694.1).